The following is an entry in ClinVar:

NM_001035.3(RYR2):c.7095T>C (p.Asn2365=)

Gene: RYR2 (ryanodine receptor 2; plus strand). Cytogenetic location: 1q43.
Variant type: single nucleotide variant.
Coding change: c.7095T>C on transcript NM_001035.3 (MANE Select); coding-DNA position 7095, T replaced by C.
Protein change: p.Asn2365=; no amino-acid change (asparagine 2365 retained).
Molecular consequence: synonymous variant.
Genome position (GRCh38, 1-based): chr1:237,639,181, T>C. VCF-style: chr1-237639181-T-C. GRCh37 (hg19) VCF-style: chr1-237802481-T-C.
Identifiers: ClinVar variation 928374 (VCV000928374.3), dbSNP rs759514803, ClinGen allele CA087279.

ClinVar aggregate classification (germline): Likely benign. Review status: criteria provided, multiple submitters, no conflicts (2 of 4 stars). 2 submissions from 2 submitters: Likely benign (2). Last evaluated 2023-03-09.

Conditions:
Catecholaminergic polymorphic ventricular tachycardia (CVPT). Also called: Catecholamine-induced polymorphic ventricular tachycardia. Identifiers: Orphanet 3286, MedGen C5574922, MONDO:0017990.
Cardiomyopathy (CMYO). Also called: Cardiomyopathies. Identifiers: Orphanet 167848, MedGen C0878544, MONDO:0004994, HP:0001638. Inheritance: Various modes of inheritance.

gnomAD v4.1: 9 of 1,613,356 alleles (0.00056%); highest among the groups gnomAD compares: African/African-American, 0.0013%; no homozygotes.

Submissions (2):

All of Us Research Program, National Institutes of Health
Classification: Likely benign for Catecholaminergic polymorphic ventricular tachycardia. Last evaluated: 2023-03-09. Review status: criteria provided, single submitter. Criteria: ACMG Guidelines, 2015. Collection method: clinical testing. Allele origin: germline. Inheritance: Autosomal dominant inheritance. Observed: 1 variant allele, 1 heterozygote.
Comment: This study involves interpretation of variants in research participants for the purpose of population health screening. Participant phenotype was not available at the time of variant classification. Additional details can be found in publication PMID: 35346344, PMCID: PMC8962531

Color Diagnostics, LLC DBA Color Health
Classification: Likely benign for Cardiomyopathy. Last evaluated: 2019-01-20. Review status: criteria provided, single submitter. Criteria: ACMG Guidelines, 2015. Collection method: clinical testing. Allele origin: germline.